The following is an entry in ClinVar:

ClinVar aggregate classification (germline): Uncertain significance. Review status: criteria provided, multiple submitters, no conflicts (2 of 4 stars). 3 submissions from 3 submitters: Uncertain significance (3). Last evaluated 2025-09-09.

Conditions:
Inborn genetic diseases. Identifiers: MedGen C0950123, MeSH D030342.

Allele frequency attached by ClinVar (database versions not stated): TOPMed 0.00003.
gnomAD v4.1: 48 of 1,613,438 alleles (0.003%); highest among the groups gnomAD compares: Non-Finnish European, 0.0039%; no homozygotes.

Submissions (3):

Ambry Genetics
Classification: Uncertain significance for Inborn genetic diseases. Last evaluated: 2025-09-09. Review status: criteria provided, single submitter. Criteria: Ambry Variant Classification Scheme 2023. Collection method: clinical testing. Allele origin: germline.

Blueprint Genetics
Classification: Uncertain significance. Last evaluated: 2023-02-13. Review status: criteria provided, single submitter. Criteria: ACMG Guidelines, 2015. Collection method: clinical testing. Allele origin: germline.

Labcorp Genetics (formerly Invitae), Labcorp
Classification: Uncertain significance. Last evaluated: 2021-09-24. Review status: criteria provided, single submitter. Criteria: Invitae Variant Classification Sherloc (09022015). Collection method: clinical testing. Allele origin: germline.
Comment: This sequence change replaces proline with serine at codon 1058 of the IMPG2 protein (p.Pro1058Ser). The proline residue is highly conserved and there is a moderate physicochemical difference between proline and serine. This variant is not present in population databases (ExAC no frequency). This variant has not been reported in the literature in individuals with IMPG2-related conditions. ClinVar contains an entry for this variant (Variation ID: 866107). Algorithms developed to predict the effect of missense changes on protein structure and function are either unavailable or do not agree on the potential impact of this missense change (SIFT: "Tolerated"; PolyPhen-2: "Possibly Damaging"; Align-GVGD: "Class C15"). In summary, the available evidence is currently insufficient to determine the role of this variant in disease. Therefore, it has been classified as a Variant of Uncertain Significance.

NM_016247.4(IMPG2):c.3172C>T (p.Pro1058Ser)

Gene: IMPG2 (interphotoreceptor matrix proteoglycan 2; minus strand). Cytogenetic location: 3q12.3.
Variant type: single nucleotide variant.
Coding change: c.3172C>T on transcript NM_016247.4 (MANE Select); coding-DNA position 3172, C replaced by T.
Protein change: p.Pro1058Ser; replaces proline 1058 with serine.
Molecular consequence: missense variant.
Genome position (GRCh38, 1-based): chr3:101,232,842, G>A on the plus strand (C>T on the coding strand, the complement: IMPG2 is on the minus strand). VCF-style: chr3-101232842-G-A. GRCh37 (hg19) VCF-style: chr3-100951686-G-A.
Other names: short protein forms P1058S.
Identifiers: ClinVar variation 866107 (VCV000866107.8), dbSNP rs1176943043, ClinGen allele CA353849858.